The following is an entry in ClinVar:

NM_015294.6(TRIM37):c.413_417dup (p.Val140fs)

Gene: TRIM37 (tripartite motif containing 37; minus strand). Cytogenetic location: 17q22.
Variant type: Duplication.
Coding change: c.413_417dup on transcript NM_015294.6 (MANE Select); coding-DNA positions 413 to 417, 5 bases duplicated (AACAC; older notation c.413_417dupAACAC).
Protein change: p.Val140fs; shifts the reading frame from valine 140.
Molecular consequence: frameshift variant. On other transcripts: 5 prime UTR variant (2), non-coding transcript variant (2).
Genome position (GRCh38, 1-based): chr17:59,081,172-59,081,176, GTGTT duplicated on the plus strand (AACAC on the coding strand, the reverse complement: TRIM37 is on the minus strand); duplicating any 5 consecutive bases within chr17:59,081,172-59,081,177 gives the same sequence; the c. name uses the placement nearest the transcript's 3' end. VCF-style (leftmost placement, unchanged base first): chr17-59081171-C-CGTGTT. GRCh37 (hg19) VCF-style: chr17-57158532-C-CGTGTT.
Other names: c.413_417dup, p.Val140fs (NM_001005207.5, NM_001320988.3, NM_001320989.3 and 2 more transcripts); c.311_315dup, p.Val106fs (NM_001320987.3, NM_001353082.2); c.47_51dup, p.Val18fs (NM_001320990.3); c.-340_-336dup (NM_001353083.2); c.-50_-46dup (NM_001353085.2); short protein forms V140fs, V106fs, V18fs.
Identifiers: ClinVar variation 2763483 (VCV002763483.3), dbSNP rs2546094969, ClinGen allele CA2697560308.

ClinVar aggregate classification (germline): Pathogenic (1 of 4 stars; one submission).

Submission:

Labcorp Genetics (formerly Invitae), Labcorp
Classification: Pathogenic. Last evaluated: 2023-09-26. Review status: criteria provided, single submitter. Criteria: Invitae Variant Classification Sherloc (09022015). Collection method: clinical testing. Allele origin: germline.
Comment: This sequence change creates a premature translational stop signal (p.Val140Asnfs*6) in the TRIM37 gene. It is expected to result in an absent or disrupted protein product. Loss-of-function variants in TRIM37 are known to be pathogenic (PMID: 10888877, 15108285). This variant is not present in population databases (gnomAD no frequency). This variant has not been reported in the literature in individuals affected with TRIM37-related conditions. Algorithms developed to predict the effect of sequence changes on RNA splicing suggest that this variant may disrupt the consensus splice site. For these reasons, this variant has been classified as Pathogenic.

Literature cited by the submitters: PubMed 10888877; PubMed 15108285.